The following is an entry in ClinVar:

NM_001735.3(C5):c.2177A>G (p.Lys726Arg)

Gene: C5 (complement C5; minus strand). Cytogenetic location: 9q33.2.
Variant type: single nucleotide variant.
Coding change: c.2177A>G on transcript NM_001735.3 (MANE Select); coding-DNA position 2177, A replaced by G.
Protein change: p.Lys726Arg; replaces lysine 726 with arginine.
Molecular consequence: missense variant.
Genome position (GRCh38, 1-based): chr9:121,013,953, T>C on the plus strand (A>G on the coding strand, the complement: C5 is on the minus strand). VCF-style: chr9-121013953-T-C. GRCh37 (hg19) VCF-style: chr9-123776231-T-C.
Other names: c.2195A>G, p.Lys732Arg (NM_001317163.2); c.2177A>G, p.Lys726Arg (NM_001317164.2); c.2177A>G (NM_001735.2); short protein forms K726R, K732R.
Identifiers: ClinVar variation 1423870 (VCV001423870.9), dbSNP rs369235335, ClinGen allele CA5217850.

ClinVar aggregate classification (germline): Uncertain significance. Review status: criteria provided, multiple submitters, no conflicts (2 of 4 stars). 3 submissions from 3 submitters: Uncertain significance (3). Last evaluated 2025-03-27.

Conditions:
Complement component 5 deficiency. Also called: C5 DEFICIENCY. Identifiers: MedGen C0343047, MONDO:0012295, OMIM 609536.
Eculizumab, poor response to. Identifiers: MedGen C3810402, OMIM 615749.

Allele frequency attached by ClinVar (database versions not stated): TOPMed 0.00001; gnomAD exomes 0.00002 and 0.00001; ExAC 0.00002.

Submissions (3):

Ambry Genetics
Classification: Uncertain significance. Last evaluated: 2025-03-27. Review status: criteria provided, single submitter. Criteria: Ambry Variant Classification Scheme 2023. Collection method: clinical testing. Allele origin: germline.

Labcorp Genetics (formerly Invitae), Labcorp
Classification: Uncertain significance. Last evaluated: 2023-10-13. Review status: criteria provided, single submitter. Criteria: Invitae Variant Classification Sherloc (09022015). Collection method: clinical testing. Allele origin: germline.
Comment: This sequence change replaces lysine, which is basic and polar, with arginine, which is basic and polar, at codon 726 of the C5 protein (p.Lys726Arg). This variant is present in population databases (rs369235335, gnomAD 0.006%). This variant has not been reported in the literature in individuals affected with C5-related conditions. ClinVar contains an entry for this variant (Variation ID: 1423870). Advanced modeling of protein sequence and biophysical properties (such as structural, functional, and spatial information, amino acid conservation, physicochemical variation, residue mobility, and thermodynamic stability) performed at Invitae indicates that this missense variant is not expected to disrupt C5 protein function. In summary, the available evidence is currently insufficient to determine the role of this variant in disease. Therefore, it has been classified as a Variant of Uncertain Significance.

Fulgent Genetics
Classification: Uncertain significance for Complement component 5 deficiency; Eculizumab, poor response to. Last evaluated: 2022-05-11. Review status: criteria provided, single submitter. Criteria: ACMG Guidelines, 2015. Collection method: clinical testing. Allele origin: unknown.